The following is an entry in ClinVar:

ClinVar aggregate classification (germline): Benign/Likely benign. Review status: criteria provided, multiple submitters, no conflicts (2 of 4 stars). 10 submissions from 10 submitters: Benign (3); Likely benign (6). 1 of the submissions does not count toward it. Last evaluated 2026-09-01.

Conditions:
Cardiovascular phenotype. Identifiers: MedGen CN230736.
Ehlers-Danlos syndrome (EDS). Identifiers: Orphanet 98249, MedGen C0013720, MONDO:0020066.
Keratoconus 1 (KTCN1). Identifiers: MedGen C1835677, MONDO:0007851, OMIM 148300.
Brittle cornea syndrome 1 (BCS1). Also called: Corneal fragility keratoglobus, blue sclerae AND joint hypermobility; DYSGENESIS MESODERMALIS CORNEAE ET SCLERAE; CORNEAL FRAGILITY, KERATOGLOBUS, BLUE SCLERAE, JOINT HYPEREXTENSIBILITY; EDS6B; FRAGILITAS OCULI WITH JOINT HYPEREXTENSIBILITY. Identifiers: Orphanet 90354, MedGen C0268344, MONDO:0024543, OMIM 229200.

Submissions (10):

CeGaT Center for Human Genetics Tuebingen
Classification: Likely benign. Last evaluated: 2026-09-01. Review status: criteria provided, single submitter. Criteria: CeGaT Center For Human Genetics Tuebingen Variant Classification Criteria Version 2. Collection method: clinical testing. Allele origin: germline. Affected: yes. Observed: 38 variant alleles.
Comment: ZNF469: PM4, BS2

Women's Health and Genetics/Laboratory Corporation of America, LabCorp
Classification: Likely benign. Last evaluated: 2026-06-22. Review status: criteria provided, single submitter. Criteria: LabCorp Variant Classification Summary - May 2015. Collection method: clinical testing. Allele origin: germline.
Comment: Variant summary: ZNF469 c.9095_9109del15 (p.Leu3032_Thr3036del) results in an in-frame deletion that is predicted to remove five amino acids from the encoded protein. The variant allele was found at a frequency of 0.0031 in 152318 control chromosomes in the gnomAD database, including 3 homozygotes. The observed variant frequency exceeds the estimated maximal expected allele frequency for disease-causing variants in ZNF469. c.9095_9109del15 has been observed in individual(s) affected with keratoconus, but also found in unaffected family members (Davidson_2015, Lechner_2014). These report(s) do not provide unequivocal conclusions about association of the variant with disease. To our knowledge, no experimental evidence demonstrating an impact on protein function has been reported. The following publications have been ascertained in the context of this evaluation (PMID: 25564447, 24895405). ClinVar contains an entry for this variant (Variation ID: 126947). Based on the evidence outlined above, the variant was classified as likely benign.

Labcorp Genetics (formerly Invitae), Labcorp
Classification: Likely benign. Last evaluated: 2026-02-04. Review status: criteria provided, single submitter. Criteria: Invitae Variant Classification Sherloc (09022015). Collection method: clinical testing. Allele origin: germline.

Blueprint Genetics
Classification: Likely benign. Last evaluated: 2024-11-25. Review status: criteria provided, single submitter. Criteria: ACMG Guidelines, 2015. Collection method: clinical testing. Allele origin: germline.

Mayo Clinic Laboratories, Mayo Clinic
Classification: Benign. Last evaluated: 2023-02-22. Review status: criteria provided, single submitter. Criteria: ACMG Guidelines, 2015. Collection method: clinical testing. Allele origin: germline. Observed: 21 variant alleles.
Comment: BS1, BS2

Genome Diagnostics Laboratory, The Hospital for Sick Children
Classification: Likely benign for Ehlers-Danlos syndrome. Last evaluated: 2022-05-12. Review status: criteria provided, single submitter. Criteria: ACMG Guidelines, 2015. Collection method: clinical testing. Allele origin: germline.

Genome-Nilou Lab
Classification: Benign for Brittle cornea syndrome 1. Last evaluated: 2021-12-05. Review status: criteria provided, single submitter. Criteria: ACMG Guidelines, 2015. Collection method: clinical testing. Allele origin: germline. Affected: no.

GeneDx
Classification: Benign. Last evaluated: 2020-02-27. Review status: criteria provided, single submitter. Criteria: GeneDx Variant Classification Process June 2021. Collection method: clinical testing. Allele origin: germline. Affected: yes.
Comment: This variant is associated with the following publications: (PMID: 25564447, 24895405, 29228253)

Ambry Genetics
Classification: Likely benign for Cardiovascular phenotype. Last evaluated: 2019-03-22. Review status: criteria provided, single submitter. Criteria: Ambry Variant Classification Scheme 2023. Collection method: clinical testing. Allele origin: germline.

Willoughby Group, Queen's University Belfast
Classification: Pathogenic for Keratoconus 1. Review status: no assertion criteria provided. Collection method: not provided. Allele origin: germline. Not counted in ClinVar's aggregate classification.
ClinVar note: Converted during submission from pathogenic to Pathogenic.

Literature cited by the submitters: PubMed 24895405 (cited by 3 submitters); PubMed 25564447 (cited by 3 submitters); PubMed 29228253 (cited by Ambry Genetics).

NM_001367624.2(ZNF469):c.9095_9109del (p.Leu3032_Thr3036del)

Gene: ZNF469 (zinc finger protein 469; plus strand). Cytogenetic location: 16q24.2.
Variant type: Deletion.
Coding change: c.9095_9109del on transcript NM_001367624.2 (MANE Select); coding-DNA positions 9095 to 9109, 15 bases deleted (TTCCCGGGAACACCC).
Protein change: p.Leu3032_Thr3036del.
Molecular consequence: inframe deletion.
Genome position (GRCh38, 1-based): chr16:88,436,565-88,436,579, TTCCCGGGAACACCC deleted; deleting any 15 consecutive bases within chr16:88,436,564-88,436,579 gives the same sequence; the c. name uses the placement nearest the transcript's 3' end. VCF-style (leftmost placement, unchanged base first): chr16-88436563-GCTTCCCGGGAACACC-G. GRCh37 (hg19) VCF-style: chr16-88502971-GCTTCCCGGGAACACC-G.
Other names: NM_001127464.1:c.9011_9025del15; NM_001127464.1:c.9011_9025del; NM_001127464.2:c.9011_9025delTTCCCGGGAACACCC; p.Leu3032_Thr3036del; c.9095_9109del15 (NM_001367624.2).
Identifiers: ClinVar variation 126947 (VCV000126947.60), dbSNP rs281865162, ClinGen allele CA151333.